The following is an entry in ClinVar:

NM_014339.7(IL17RA):c.370C>T (p.Arg124Cys)

Gene: IL17RA (interleukin 17 receptor A; plus strand). Cytogenetic location: 22q11.1.
Variant type: single nucleotide variant.
Coding change: c.370C>T on transcript NM_014339.7 (MANE Select); coding-DNA position 370, C replaced by T.
Protein change: p.Arg124Cys; replaces arginine 124 with cysteine.
Molecular consequence: missense variant.
Genome position (GRCh38, 1-based): chr22:17,098,834, C>T. VCF-style: chr22-17098834-C-T. GRCh37 (hg19) VCF-style: chr22-17579724-C-T.
Other names: c.370C>T (NM_014339.5); c.370C>T, p.Arg124Cys (NM_001289905.2); short protein forms R124C.
Identifiers: ClinVar variation 2152285 (VCV002152285.4), dbSNP rs765167585, ClinGen allele CA10086323.
Genomic context (GRCh38, chr22:17,098,834, plus strand): 5'-GCCAGCATCCTGTACCTCGAGGGTGCAGAGTTATCTGTCCTGCAGCTGAACACCAATGAA[C>T]GTTTGTGCGTCAGGTTTGAGTTTCTGTCCAAACTGAGGCATCACCACAGGCGGGTAAGAA-3'
Protein context (NP_055154.3, residues 114-134): LSVLQLNTNE[Arg124Cys]LCVRFEFLSK

ClinVar aggregate classification (germline): Uncertain significance. Review status: criteria provided, multiple submitters, no conflicts (2 of 4 stars). 2 submissions from 2 submitters: Uncertain significance (2). Last evaluated 2024-12-16.

Conditions:
Immunodeficiency 51 (IMD51). Also called: CANDIDIASIS, FAMILIAL, 5. Identifiers: Orphanet 1334, MedGen C4310803, MONDO:0013500, OMIM 613953.

Allele frequency attached by ClinVar (database versions not stated): gnomAD 0.00001; ExAC 0.00002; gnomAD exomes 0.00002; TOPMed 0.00003.
gnomAD v4.1: 27 of 1,614,180 alleles (0.0017%); highest among the groups gnomAD compares: East Asian, 0.025%; no homozygotes.

Submissions (2):

Labcorp Genetics (formerly Invitae), Labcorp
Classification: Uncertain significance for Immunodeficiency 51. Last evaluated: 2024-12-16. Review status: criteria provided, single submitter. Criteria: Invitae Variant Classification Sherloc (09022015). Collection method: clinical testing. Allele origin: germline.
Comment: This sequence change replaces arginine, which is basic and polar, with cysteine, which is neutral and slightly polar, at codon 124 of the IL17RA protein (p.Arg124Cys). This variant is present in population databases (rs765167585, gnomAD 0.05%). This variant has not been reported in the literature in individuals affected with IL17RA-related conditions. ClinVar contains an entry for this variant (Variation ID: 2152285). Invitae Evidence Modeling of protein sequence and biophysical properties (such as structural, functional, and spatial information, amino acid conservation, physicochemical variation, residue mobility, and thermodynamic stability) indicates that this missense variant is expected to disrupt IL17RA protein function with a positive predictive value of 80%. In summary, the available evidence is currently insufficient to determine the role of this variant in disease. Therefore, it has been classified as a Variant of Uncertain Significance.

Ambry Genetics
Classification: Uncertain significance. Last evaluated: 2024-05-24. Review status: criteria provided, single submitter. Criteria: Ambry Variant Classification Scheme 2023. Collection method: clinical testing. Allele origin: germline.